The following is an entry in ClinVar:

ClinVar aggregate classification (germline): Uncertain significance (0 of 4 stars; one submission).

Conditions:
CPE-related disorder. Also called: CPE-related condition.

gnomAD v4.1: 2 of 1,614,022 alleles (0.00012%); highest among the groups gnomAD compares: South Asian, 0.0011%; no homozygotes.

Submission:

PreventionGenetics, part of Exact Sciences
Classification: Uncertain significance for CPE-related condition. Last evaluated: 2024-05-08. Review status: no assertion criteria provided. Collection method: clinical testing. Allele origin: germline.
Comment: The CPE c.1166C>T variant is predicted to result in the amino acid substitution p.Ala389Val. To our knowledge, this variant has not been reported in the literature. This variant is reported in 0.0033% of alleles in individuals of South Asian descent in gnomAD. At this time, the clinical significance of this variant is uncertain due to the absence of conclusive functional and genetic evidence.

NM_001873.4(CPE):c.1166C>T (p.Ala389Val)

Gene: CPE (carboxypeptidase E; plus strand). Cytogenetic location: 4q32.3.
Variant type: single nucleotide variant.
Coding change: c.1166C>T on transcript NM_001873.4 (MANE Select); coding-DNA position 1166, C replaced by T.
Protein change: p.Ala389Val; replaces alanine 389 with valine.
Molecular consequence: missense variant.
Genome position (GRCh38, 1-based): chr4:165,493,223, C>T. VCF-style: chr4-165493223-C-T. GRCh37 (hg19) VCF-style: chr4-166414375-C-T.
Other names: short protein forms A389V.
Identifiers: ClinVar variation 3351446 (VCV003351446.1).
Genomic context (GRCh38, chr4:165,493,223, plus strand): 5'-CTTCACAGATACACCGAGGAGTTAAAGGATTTGTCCGAGACCTTCAAGGTAACCCAATTG[C>T]GAATGCCACCATCTCCGTGGAAGGAATAGACCACGATGTTACATCCGGTGGGTCTTTGCC-3'
Protein context (NP_001864.1, residues 379-399): FVRDLQGNPI[Ala389Val]NATISVEGID